The following is an entry in ClinVar:

ClinVar aggregate classification (germline): Uncertain significance (1 of 4 stars; one submission).

Conditions:
Hereditary cancer-predisposing syndrome. Also called: Neoplastic Syndromes, Hereditary; Tumor predisposition; Hereditary Cancer Syndrome; Hereditary neoplastic syndrome. Identifiers: Orphanet 140162, MedGen C0027672, MeSH D009386, MONDO:0015356.

Submission:

Color Diagnostics, LLC DBA Color Health
Classification: Uncertain significance for Hereditary cancer-predisposing syndrome. Last evaluated: 2023-12-04. Review status: criteria provided, single submitter. Criteria: ACMG Guidelines, 2015. Collection method: clinical testing. Allele origin: germline.
Comment: This missense variant replaces asparagine with isoleucine at codon 1061 of the BRIP1 protein. Computational prediction suggests that this variant may not impact protein structure and function (internally defined REVEL score threshold <= 0.5, PMID: 27666373). To our knowledge, functional studies have not been reported for this variant. This variant has not been reported in individuals affected with BRIP1-related disorders in the literature. This variant has not been identified in the general population by the Genome Aggregation Database (gnomAD). The available evidence is insufficient to determine the role of this variant in disease conclusively. Therefore, this variant is classified as a Variant of Uncertain Significance.

NM_032043.3(BRIP1):c.3182A>T (p.Asn1061Ile)

Gene: BRIP1 (BRCA1 interacting DNA helicase 1; minus strand). Cytogenetic location: 17q23.2.
Variant type: single nucleotide variant.
Coding change: c.3182A>T on transcript NM_032043.3 (MANE Select); coding-DNA position 3182, A replaced by T.
Protein change: p.Asn1061Ile; replaces asparagine 1061 with isoleucine.
Molecular consequence: missense variant.
Genome position (GRCh38, 1-based): chr17:61,683,864, T>A on the plus strand (A>T on the coding strand, the complement: BRIP1 is on the minus strand). VCF-style: chr17-61683864-T-A. GRCh37 (hg19) VCF-style: chr17-59761225-T-A.
Other names: short protein forms N1061I.
Identifiers: ClinVar variation 924288 (VCV000924288.4), dbSNP rs2061317245, ClinGen allele CA400479408.